The following is an entry in ClinVar:

NM_001077365.2(POMT1):c.1521C>G (p.His507Gln)

Gene: POMT1 (protein O-mannosyltransferase 1; plus strand). Cytogenetic location: 9q34.13.
Variant type: single nucleotide variant.
Coding change: c.1521C>G on transcript NM_001077365.2 (MANE Select); coding-DNA position 1521, C replaced by G.
Protein change: p.His507Gln; replaces histidine 507 with glutamine.
Molecular consequence: missense variant. On other transcripts: non-coding transcript variant (10), intron variant (1).
Genome position (GRCh38, 1-based): chr9:131,519,423, C>G. VCF-style: chr9-131519423-C-G. GRCh37 (hg19) VCF-style: chr9-134394810-C-G.
Other names: c.1521C>G, p.His507Gln (NM_001136113.2); c.1170C>G, p.His390Gln (NM_001136114.2, NM_001353195.2, NM_001374691.1 and 2 more transcripts); c.1587C>G, p.His529Gln (NM_001353193.2, NM_007171.4); c.1359C>G, p.His453Gln (NM_001353194.2, NM_001077366.2); c.1431C>G, p.His477Gln (NM_001353196.2); c.1425C>G, p.His475Gln (NM_001353197.2, NM_001353198.2); c.1236C>G, p.His412Gln (NM_001353199.2); c.1065C>G, p.His355Gln (NM_001353200.2); and 4 more; short protein forms H453Q, H130Q, H355Q, H475Q, H503Q, H529Q, H377Q, H390Q.
Identifiers: ClinVar variation 2043257 (VCV002043257.2), dbSNP rs974964789, ClinGen allele CA200795460.

ClinVar aggregate classification (germline): Uncertain significance (1 of 4 stars; one submission).

Conditions:
Walker-Warburg congenital muscular dystrophy. Also called: Muscular dystrophy-dystroglycanopathy, type A; Walker-Warburg syndrome. Identifiers: Orphanet 899, MedGen C0265221, MONDO:0000171.
Muscular dystrophy-dystroglycanopathy (congenital with impaired intellectual development), type B, 1. Also called: MUSCULAR DYSTROPHY, CONGENITAL, POMT1-RELATED; Muscular dystrophy-dystroglycanopathy (congenital with intellectual disability), type B1. Identifiers: MedGen C5436962, MONDO:0013159, OMIM 613155.
Autosomal recessive limb-girdle muscular dystrophy type 2K. Also called: MUSCULAR DYSTROPHY-DYSTROGLYCANOPATHY (LIMB-GIRDLE), TYPE C, 1; MUSCULAR DYSTROPHY, LIMB-GIRDLE, TYPE 2K. Identifiers: Orphanet 86812, MedGen C1836373, MONDO:0012248, OMIM 609308.

Allele frequency attached by ClinVar (database versions not stated): TOPMed below 0.00001.
gnomAD v4.1: 3 of 1,552,092 alleles (0.00019%); highest among the groups gnomAD compares: Admixed American, 0.0059%; no homozygotes.

Submission:

Labcorp Genetics (formerly Invitae), Labcorp
Classification: Uncertain significance for Muscular dystrophy-dystroglycanopathy (congenital with impaired intellectual development), type B, 1; Walker-Warburg congenital muscular dystrophy; Autosomal recessive limb-girdle muscular dystrophy type 2K. Last evaluated: 2025-09-02. Review status: criteria provided, single submitter. Criteria: Invitae Variant Classification Sherloc (09022015). Collection method: clinical testing. Allele origin: germline.
Comment: This sequence change replaces histidine, which is basic and polar, with glutamine, which is neutral and polar, at codon 529 of the POMT1 protein (p.His529Gln). This variant is present in population databases (no rsID available, gnomAD 0.008%). This variant has not been reported in the literature in individuals affected with POMT1-related conditions. ClinVar contains an entry for this variant (Variation ID: 2043257). An algorithm developed to predict the effect of missense changes on protein structure and function (PolyPhen-2) suggests that this variant is likely to be tolerated. In summary, the available evidence is currently insufficient to determine the role of this variant in disease. Therefore, it has been classified as a Variant of Uncertain Significance.